The following is an entry in ClinVar:

ClinVar aggregate classification (germline): Uncertain significance (1 of 4 stars; one submission).

Conditions:
Cardiomyopathy (CMYO). Also called: Cardiomyopathies. Identifiers: Orphanet 167848, MedGen C0878544, MONDO:0004994, HP:0001638. Inheritance: Various modes of inheritance.

Allele frequency attached by ClinVar (database versions not stated): gnomAD exomes 0.00001.
gnomAD v4.1: 9 of 1,614,174 alleles (0.00056%); highest among the groups gnomAD compares: Non-Finnish European, 0.00076%; no homozygotes.

Submission:

Color Diagnostics, LLC DBA Color Health
Classification: Uncertain significance for Cardiomyopathy. Last evaluated: 2023-12-04. Review status: criteria provided, single submitter. Criteria: ACMG Guidelines, 2015. Collection method: clinical testing. Allele origin: germline.
Comment: This missense variant replaces histidine with arginine at codon 118 of the TMEM43 protein. Computational prediction suggests that this variant may not impact protein structure and function (internally defined REVEL score threshold <= 0.5, PMID: 27666373). To our knowledge, functional studies have not been reported for this variant. This variant has not been reported in individuals affected with TMEM43-related disorders in the literature. This variant has been identified in 2/251212 chromosomes in the general population by the Genome Aggregation Database (gnomAD). The available evidence is insufficient to determine the role of this variant in disease conclusively. Therefore, this variant is classified as a Variant of Uncertain Significance.

NM_024334.3(TMEM43):c.353A>G (p.His118Arg)

Gene: TMEM43 (transmembrane protein 43; plus strand). Cytogenetic location: 3p25.1.
Variant type: single nucleotide variant.
Coding change: c.353A>G on transcript NM_024334.3 (MANE Select); coding-DNA position 353, A replaced by G.
Protein change: p.His118Arg; replaces histidine 118 with arginine.
Molecular consequence: missense variant.
Genome position (GRCh38, 1-based): chr3:14,131,635, A>G. VCF-style: chr3-14131635-A-G. GRCh37 (hg19) VCF-style: chr3-14173135-A-G.
Other names: short protein forms H118R.
Identifiers: ClinVar variation 927572 (VCV000927572.4), dbSNP rs796729938, ClinGen allele CA69729412.
Genomic context (GRCh38, chr3:14,131,635, plus strand): 5'-TGAAGCTTTTGTCTGATCCAAACTATGGGGTCCATCTTCCGGCTGTGAAACTGCGGAGGC[A>G]CGTGGAGATGTACCAATGGGTAGAAACTGAGGAGTCCAGGTGAGCTGTTGGGGTGAAAAC-3'
Protein context (NP_077310.1, residues 108-128): VHLPAVKLRR[His118Arg]VEMYQWVETE